The following is an entry in ClinVar:

ClinVar aggregate classification (germline): Pathogenic/Likely pathogenic. Review status: criteria provided, multiple submitters, no conflicts (2 of 4 stars). 4 submissions from 4 submitters: Pathogenic (1); Likely pathogenic (3). Last evaluated 2025-08-19.

Conditions:
GFM1-related disorders.
Hepatoencephalopathy due to combined oxidative phosphorylation defect type 1. Also called: HEPATOENCEPHALOPATHY, EARLY FATAL PROGRESSIVE. Identifiers: Orphanet 137681, MedGen C1836797, MONDO:0012191, OMIM 609060.

Submissions (4):

Natera, Inc.
Classification: Likely pathogenic for Combined oxidative phosphorylation deficiency 1. Last evaluated: 2025-08-19. Review status: criteria provided, single submitter. Criteria: Natera Variant Classification Schema (03/2026). Collection method: clinical testing. Allele origin: germline.
Comment: The c.1532_1533delAG variant in GFM1 is a frameshift variant predicted to shift the reading frame beginning at codon 511 and leads to a stop codon 25 codons downstream. This variant is expected to result in nonsense mediated decay, truncation, or a dysfunctional protein product. This variant is rare in the general population with a frequency below the threshold expected for the associated phenotype(s). Given the available evidence, this variant is classified as Likely Pathogenic.

Labcorp Genetics (formerly Invitae), Labcorp
Classification: Pathogenic. Last evaluated: 2024-02-01. Review status: criteria provided, single submitter. Criteria: Invitae Variant Classification Sherloc (09022015). Collection method: clinical testing. Allele origin: germline.
Comment: This sequence change creates a premature translational stop signal (p.Glu511Valfs*25) in the GFM1 gene. It is expected to result in an absent or disrupted protein product. Loss-of-function variants in GFM1 are known to be pathogenic (PMID: 16632485, 17160893). This variant is present in population databases (rs768112611, gnomAD 0.002%). This variant has not been reported in the literature in individuals affected with GFM1-related conditions. For these reasons, this variant has been classified as Pathogenic.

Blueprint Genetics
Classification: Likely pathogenic for GFM1-related disorders. Last evaluated: 2022-09-30. Review status: criteria provided, single submitter. Criteria: ACMG Guidelines, 2015. Collection method: clinical testing. Allele origin: germline. Affected: yes. Observed: 1 variant allele.

Laboratorio de Genetica e Diagnostico Molecular, Hospital Israelita Albert Einstein
Classification: Likely pathogenic. Last evaluated: 2020-03-13. Review status: criteria provided, single submitter. Criteria: ACMG Guidelines, 2015. Collection method: clinical testing. Allele origin: germline. Affected: yes.
Comment: ACMG classification criteria: PVS1, PM2

Literature cited by the submitters: PubMed 16632485 (cited by Labcorp Genetics (formerly Invitae), Labcorp); PubMed 17160893 (cited by Labcorp Genetics (formerly Invitae), Labcorp).

NM_024996.7(GFM1):c.1532_1533del (p.Glu511fs)

Gene: GFM1 (G elongation factor mitochondrial 1; plus strand). Cytogenetic location: 3q25.32.
Variant type: Microsatellite.
Coding change: c.1532_1533del on transcript NM_024996.7 (MANE Select); coding-DNA positions 1532 to 1533, 2 bases deleted (AG; older notation c.1532_1533delAG).
Protein change: p.Glu511fs; shifts the reading frame from glutamic acid 511.
Molecular consequence: frameshift variant. On other transcripts: non-coding transcript variant (4).
Genome position (GRCh38, 1-based): chr3:158,666,317-158,666,318, AG deleted; deleting any 2 consecutive bases within chr3:158,666,313-158,666,318 gives the same sequence; the c. name uses the placement nearest the transcript's 3' end. VCF-style (leftmost placement, unchanged base first): chr3-158666312-AAG-A. GRCh37 (hg19) VCF-style: chr3-158384101-AAG-A.
Other names: c.1589_1590del, p.Glu530fs (NM_001308164.2); c.1532_1533del, p.Glu511fs (NM_001308166.2); c.1451_1452del, p.Glu484fs (NM_001374355.1); c.1415_1416del, p.Glu472fs (NM_001374356.1); c.1307_1308del, p.Glu436fs (NM_001374357.1); c.1073_1074del, p.Glu358fs (NM_001374358.1); c.965_966del, p.Glu322fs (NM_001374359.1, NM_001374360.1); c.848_849del, p.Glu283fs (NM_001374361.1); and 2 more; short protein forms E322fs, E436fs, E530fs, E283fs, E472fs, E484fs, E511fs, E358fs.
Identifiers: ClinVar variation 1455901 (VCV001455901.12), dbSNP rs768112611, ClinGen allele CA2682696.